The following is an entry in ClinVar:

ClinVar aggregate classification (germline): Conflicting classifications of pathogenicity. Review status: criteria provided, conflicting classifications (1 of 4 stars). 2 submissions from 2 submitters: Uncertain significance (1); Likely benign (1). Last evaluated 2023-01-12.

Conditions:
Hereditary cancer-predisposing syndrome. Also called: Neoplastic Syndromes, Hereditary; Hereditary Cancer Syndrome; Tumor predisposition; Hereditary neoplastic syndrome. Identifiers: Orphanet 140162, MedGen C0027672, MeSH D009386, MONDO:0015356.
Familial thoracic aortic aneurysm and aortic dissection (TAAD). Also called: Thoracic aortic aneurysms and dissections. Identifiers: Orphanet 91387, MedGen C4707243, MONDO:0019625.
Juvenile polyposis syndrome (JPS). Identifiers: Orphanet 2929, MedGen C0345893, MONDO:0017380, OMIM 174900.

Allele frequency attached by ClinVar (database versions not stated): gnomAD exomes below 0.00001 and 0.00001.
gnomAD v4.1: 2 of 1,614,122 alleles (0.00012%); highest among the groups gnomAD compares: East Asian, 0.0045%; no homozygotes.

Submissions (2):

Ambry Genetics
Classification: Likely benign for Hereditary cancer-predisposing syndrome; Familial thoracic aortic aneurysm and aortic dissection. Last evaluated: 2023-01-12. Review status: criteria provided, single submitter. Criteria: Ambry Variant Classification Scheme 2023. Collection method: clinical testing. Allele origin: germline.

Labcorp Genetics (formerly Invitae), Labcorp
Classification: Uncertain significance for Juvenile polyposis syndrome. Last evaluated: 2020-11-19. Review status: criteria provided, single submitter. Criteria: Invitae Variant Classification Sherloc (09022015). Collection method: clinical testing. Allele origin: germline.
Comment: This sequence change replaces proline with threonine at codon 278 of the SMAD4 protein (p.Pro278Thr). The proline residue is highly conserved and there is a small physicochemical difference between proline and threonine. This variant is not present in population databases (ExAC no frequency). This variant has not been reported in the literature in individuals with SMAD4-related conditions. Algorithms developed to predict the effect of missense changes on protein structure and function (SIFT, PolyPhen-2, Align-GVGD) all suggest that this variant is likely to be tolerated, but these predictions have not been confirmed by published functional studies and their clinical significance is uncertain. In summary, the available evidence is currently insufficient to determine the role of this variant in disease. Therefore, it has been classified as a Variant of Uncertain Significance.

NM_005359.6(SMAD4):c.832C>A (p.Pro278Thr)

Gene: SMAD4 (SMAD family member 4; plus strand). Cytogenetic location: 18q21.2.
Variant type: single nucleotide variant.
Coding change: c.832C>A on transcript NM_005359.6 (MANE Select); coding-DNA position 832, C replaced by A.
Protein change: p.Pro278Thr; replaces proline 278 with threonine.
Molecular consequence: missense variant.
Genome position (GRCh38, 1-based): chr18:51,058,384, C>A. VCF-style: chr18-51058384-C-A. GRCh37 (hg19) VCF-style: chr18-48584754-C-A.
Other names: c.832C>A (NM_005359.5); short protein forms P278T.
Identifiers: ClinVar variation 1461342 (VCV001461342.9), dbSNP rs1257577085, ClinGen allele CA402463431.